The following is an entry in ClinVar:

ClinVar aggregate classification (germline): Uncertain significance (1 of 4 stars; one submission).

Conditions:
Inborn genetic diseases. Identifiers: MedGen C0950123, MeSH D030342.

gnomAD v4.1: 4 of 1,610,950 alleles (0.00025%); highest among the groups gnomAD compares: Non-Finnish European, 0.00025%; no homozygotes.

Submission:

Ambry Genetics
Classification: Uncertain significance for Inborn genetic diseases. Last evaluated: 2026-03-09. Review status: criteria provided, single submitter. Criteria: Ambry Variant Classification Scheme 2023. Collection method: clinical testing. Allele origin: germline.
Comment: The p.K801T variant (also known as c.2402A>C), located in coding exon 22 of the ANKRD26 gene, results from an A to C substitution at nucleotide position 2402. The lysine at codon 801 is replaced by threonine, an amino acid with similar properties. This amino acid position is conserved. In addition, this alteration is predicted to be tolerated by in silico analysis. Based on the available evidence, the clinical significance of this variant remains unclear.

NM_014915.3(ANKRD26):c.2402A>C (p.Lys801Thr)

Gene: ANKRD26 (ankyrin repeat domain 26; minus strand). Cytogenetic location: 10p12.1.
Variant type: single nucleotide variant.
Coding change: c.2402A>C on transcript NM_014915.3 (MANE Select); coding-DNA position 2402, A replaced by C.
Protein change: p.Lys801Thr; replaces lysine 801 with threonine.
Molecular consequence: missense variant.
Genome position (GRCh38, 1-based): chr10:27,038,028, T>G on the plus strand (A>C on the coding strand, the complement: ANKRD26 is on the minus strand). VCF-style: chr10-27038028-T-G. GRCh37 (hg19) VCF-style: chr10-27326957-T-G.
Other names: c.2399A>C, p.Lys800Thr (NM_001256053.2); short protein forms K800T, K801T.
Identifiers: ClinVar variation 4826421 (VCV004826421.1).